The following is an entry in ClinVar:

NM_014423.4(AFF4):c.560T>C (p.Val187Ala)

Gene: AFF4 (ALF transcription elongation factor 4; minus strand). Cytogenetic location: 5q31.1.
Variant type: single nucleotide variant.
Coding change: c.560T>C on transcript NM_014423.4 (MANE Select); coding-DNA position 560, T replaced by C.
Protein change: p.Val187Ala; replaces valine 187 with alanine.
Molecular consequence: missense variant.
Genome position (GRCh38, 1-based): chr5:132,934,505, A>G on the plus strand (T>C on the coding strand, the complement: AFF4 is on the minus strand). VCF-style: chr5-132934505-A-G. GRCh37 (hg19) VCF-style: chr5-132270197-A-G.
Other names: short protein forms V187A.
Identifiers: ClinVar variation 2897125 (VCV002897125.3), dbSNP rs1440069926, ClinGen allele CA360960129.

ClinVar aggregate classification (germline): Uncertain significance (1 of 4 stars; one submission).

Conditions:
Cognitive impairment - coarse facies - heart defects - obesity - pulmonary involvement - short stature - skeletal dysplasia syndrome. Also called: AFF4-Related CHOPS Syndrome; COGNITIVE IMPAIRMENT, COARSE FACIES, HEART DEFECTS, OBESITY, PULMONARY INVOLVEMENT, SHORT STATURE, AND SKELETAL DYSPLASIA; Chops syndrome. Identifiers: Orphanet 444077, MedGen C4085597, MONDO:0014609, OMIM 616368.

Allele frequency attached by ClinVar (database versions not stated): gnomAD exomes below 0.00001.
gnomAD v4.1: 1 of 1,614,052 alleles (0.000062%); highest among the groups gnomAD compares: Admixed American, 0.0017%; no homozygotes.

Submission:

Labcorp Genetics (formerly Invitae), Labcorp
Classification: Uncertain significance for Cognitive impairment - coarse facies - heart defects - obesity - pulmonary involvement - short stature - skeletal dysplasia syndrome. Last evaluated: 2023-12-10. Review status: criteria provided, single submitter. Criteria: Invitae Variant Classification Sherloc (09022015). Collection method: clinical testing. Allele origin: germline.
Comment: This sequence change replaces valine, which is neutral and non-polar, with alanine, which is neutral and non-polar, at codon 187 of the AFF4 protein (p.Val187Ala). This variant is present in population databases (no rsID available, gnomAD 0.003%). This variant has not been reported in the literature in individuals affected with AFF4-related conditions. An algorithm developed to predict the effect of missense changes on protein structure and function (PolyPhen-2) suggests that this variant is likely to be disruptive. In summary, the available evidence is currently insufficient to determine the role of this variant in disease. Therefore, it has been classified as a Variant of Uncertain Significance.